The following is an entry in ClinVar:

NM_001367868.2(PLIN4):c.1816G>A (p.Val606Met)

Gene: PLIN4 (perilipin 4; minus strand). Cytogenetic location: 19p13.3.
Variant type: single nucleotide variant.
Coding change: c.1816G>A on transcript NM_001367868.2 (MANE Select); coding-DNA position 1816, G replaced by A.
Protein change: p.Val606Met; replaces valine 606 with methionine.
Molecular consequence: missense variant.
Genome position (GRCh38, 1-based): chr19:4,512,144, C>T on the plus strand (G>A on the coding strand, the complement: PLIN4 is on the minus strand). VCF-style: chr19-4512144-C-T. GRCh37 (hg19) VCF-style: chr19-4512156-C-T.
Other names: c.1819G>A, p.Val607Met (NM_001393888.1, NM_001393889.1); c.1816G>A, p.Val606Met (NM_001393890.1, NM_001393891.1); short protein forms V606M, V607M.
Identifiers: ClinVar variation 4083524 (VCV004083524.8).

ClinVar aggregate classification (germline): Benign (1 of 4 stars; one submission).

Submission:

CeGaT Center for Human Genetics Tuebingen
Classification: Benign. Last evaluated: 2025-06-01. Review status: criteria provided, single submitter. Criteria: CeGaT Center For Human Genetics Tuebingen Variant Classification Criteria Version 2. Collection method: clinical testing. Allele origin: germline. Affected: yes. Observed: 1 variant allele.
Comment: PLIN4: BP4, BS1, BS2